The following is an entry in ClinVar:

ClinVar aggregate classification (germline): Conflicting classifications of pathogenicity. Review status: criteria provided, conflicting classifications (1 of 4 stars). 4 submissions from 4 submitters: Likely pathogenic (1); Uncertain significance (3). Last evaluated 2024-04-07.

Allele frequency attached by ClinVar (database versions not stated): 1000 Genomes Project 0.00040; TOPMed 0.00084; gnomAD exomes 0.00002 and 0.00006; gnomAD 0.00041 and 0.00040; 1000 Genomes Project 30x 0.00047; ExAC 0.00002.
gnomAD v4.1: 101 of 1,416,082 alleles (0.0071%); highest among the groups gnomAD compares: Admixed American, 0.12%; 1 homozygote.

Submissions (4):

Revvity Omics, Revvity
Classification: Likely pathogenic. Last evaluated: 2024-04-07. Review status: criteria provided, single submitter. Criteria: ACMG Guidelines, 2015. Collection method: clinical testing. Allele origin: germline.

Blueprint Genetics
Classification: Uncertain significance. Last evaluated: 2022-08-09. Review status: criteria provided, single submitter. Criteria: ACMG Guidelines, 2015. Collection method: clinical testing. Allele origin: germline.

Women's Health and Genetics/Laboratory Corporation of America, LabCorp
Classification: Uncertain significance. Last evaluated: 2022-04-05. Review status: criteria provided, single submitter. Criteria: LabCorp Variant Classification Summary - May 2015. Collection method: clinical testing. Allele origin: germline.
Comment: Variant summary: PKLR c.1435C>T (p.Arg479Cys) results in a non-conservative amino acid change located in the Pyruvate kinase, C-terminal domain of the encoded protein sequence. Five of five in-silico tools predict a damaging effect of the variant on protein function. 4/4 computational tools predict no significant impact on normal splicing. However, these predictions have yet to be confirmed by functional studies. The variant allele was found at a frequency of 5.6e-05 in 251446 control chromosomes. This frequency is not significantly higher than expected for a pathogenic variant in PKLR causing Pyruvate Kinase Deficiency Of Red Cells, allowing no conclusion about variant significance. c.1435C>T has been reported in the literature in one individual affected with anemia and intellectual disability. These data indicate that the variant may be associated with disease. One publication reports experimental evidence evaluating an impact on protein function, however, does not allow convincing conclusions about the variant effect. One clinical diagnostic laboratory has submitted clinical-significance assessments for this variant to ClinVar after 2014 without evidence for independent evaluation and classified the variant as uncertain significance. Based on the evidence outlined above, the variant was classified as VUS-possibly pathogenic.

ARUP Laboratories, Molecular Genetics and Genomics, ARUP Laboratories
Classification: Uncertain significance. Last evaluated: 2020-04-30. Review status: criteria provided, single submitter. Criteria: ARUP Molecular Germline Variant Investigation Process. Collection method: clinical testing. Allele origin: germline.

Literature cited by the submitters: PubMed 31130284 (cited by Women's Health and Genetics/Laboratory Corporation of America, LabCorp); PubMed 26975778 (cited by Women's Health and Genetics/Laboratory Corporation of America, LabCorp); PubMed 29641561 (cited by Women's Health and Genetics/Laboratory Corporation of America, LabCorp).

NM_000298.6(PKLR):c.1435C>T (p.Arg479Cys)

Gene: PKLR (pyruvate kinase L/R; minus strand). Cytogenetic location: 1q22.
Variant type: single nucleotide variant.
Coding change: c.1435C>T on transcript NM_000298.6 (MANE Select); coding-DNA position 1435, C replaced by T.
Protein change: p.Arg479Cys; replaces arginine 479 with cysteine.
Molecular consequence: missense variant.
Genome position (GRCh38, 1-based): chr1:155,293,178, G>A on the plus strand (C>T on the coding strand, the complement: PKLR is on the minus strand). VCF-style: chr1-155293178-G-A. GRCh37 (hg19) VCF-style: chr1-155262969-G-A.
Other names: c.1342C>T, p.Arg448Cys (NM_181871.4); short protein forms R448C, R479C.
Identifiers: ClinVar variation 994149 (VCV000994149.12), dbSNP rs201406712, ClinGen allele CA1144014.